The following is an entry in ClinVar:

ClinVar aggregate classification (germline): Likely benign. Review status: criteria provided, multiple submitters, no conflicts (2 of 4 stars). 3 submissions from 3 submitters: Likely benign (2). 1 of the submissions does not count toward it. Last evaluated 2025-06-04.

Conditions:
CACNA1F-related disorder. Also called: CACNA1F-related condition.

Allele frequency attached by ClinVar (database versions not stated): TOPMed 0.00023; ExAC 0.00028; ESP Exome Variant Server 0.00029.
gnomAD v4.1: 370 of 1,175,411 alleles (0.031%); highest among the groups gnomAD compares: Non-Finnish European, 0.04%; no homozygotes.

Submissions (3):

Labcorp Genetics (formerly Invitae), Labcorp
Classification: Likely benign. Last evaluated: 2025-06-04. Review status: criteria provided, single submitter. Criteria: Invitae Variant Classification Sherloc (09022015). Collection method: clinical testing. Allele origin: germline.

Blueprint Genetics
Classification: Likely benign. Last evaluated: 2022-11-15. Review status: criteria provided, single submitter. Criteria: ACMG Guidelines, 2015. Collection method: clinical testing. Allele origin: germline.

PreventionGenetics, part of Exact Sciences
Classification: Likely benign for CACNA1F-related condition. Last evaluated: 2024-09-10. Review status: no assertion criteria provided. Collection method: clinical testing. Allele origin: germline. Not counted in ClinVar's aggregate classification.
Comment: This variant is classified as likely benign based on ACMG/AMP sequence variant interpretation guidelines (Richards et al. 2015 PMID: 25741868, with internal and published modifications).

NM_001256789.3(CACNA1F):c.40C>A (p.Pro14Thr)

Gene: CACNA1F (calcium voltage-gated channel subunit alpha1 F; minus strand). Cytogenetic location: Xp11.23.
Variant type: single nucleotide variant.
Coding change: c.40C>A on transcript NM_001256789.3 (MANE Select); coding-DNA position 40, C replaced by A.
Protein change: p.Pro14Thr; replaces proline 14 with threonine.
Molecular consequence: missense variant. On other transcripts: intron variant (1).
Genome position (GRCh38, 1-based): chrX:49,231,913, G>T on the plus strand (C>A on the coding strand, the complement: CACNA1F is on the minus strand). VCF-style: chrX-49231913-G-T. GRCh37 (hg19) VCF-style: chrX-49088375-G-T.
Other names: c.40C>A, p.Pro14Thr (NM_005183.4); c.66-221C>A (NM_001256790.3); short protein forms P14T.
Identifiers: ClinVar variation 849206 (VCV000849206.9), dbSNP rs201861911, ClinGen allele CA10411138.